The following is an entry in ClinVar:

ClinVar aggregate classification (germline): Benign/Likely benign. Review status: criteria provided, multiple submitters, no conflicts (2 of 4 stars). 3 submissions from 3 submitters: Benign (1); Likely benign (2). Last evaluated 2025-03-11.

Conditions:
BAP1-related tumor predisposition syndrome (TPDS1). Also called: Tumor susceptibility linked to germline BAP1 mutations; COMMON Syndrome; TUMOR PREDISPOSITION SYNDROME 1; BAP1 tumor predisposition syndrome. Identifiers: Orphanet 289539, MedGen C3280492, MONDO:0013692, OMIM 614327.
Hereditary cancer-predisposing syndrome. Also called: Neoplastic Syndromes, Hereditary; Tumor predisposition; Hereditary Cancer Syndrome; Hereditary neoplastic syndrome. Identifiers: Orphanet 140162, MedGen C0027672, MeSH D009386, MONDO:0015356.

Allele frequency attached by ClinVar (database versions not stated): gnomAD exomes below 0.00001.
gnomAD v4.1: 1 of 1,613,822 alleles (0.000062%); highest among the groups gnomAD compares: Non-Finnish European, 0.000085%; no homozygotes.

Submissions (3):

Labcorp Genetics (formerly Invitae), Labcorp
Classification: Likely benign for BAP1-related tumor predisposition syndrome. Last evaluated: 2025-03-11. Review status: criteria provided, single submitter. Criteria: Invitae Variant Classification Sherloc (09022015). Collection method: clinical testing. Allele origin: germline.

Myriad Genetics, Inc.
Classification: Benign for BAP1-related tumor predisposition syndrome. Last evaluated: 2024-07-15. Review status: criteria provided, single submitter. Criteria: Myriad Autosomal Dominant, Autosomal Recessive and X-Linked Classification Criteria (2023). Collection method: clinical testing. Allele origin: unknown.
Comment: This variant is considered benign. This variant is a silent/synonymous amino acid change and it is not expected to impact splicing.

Color Diagnostics, LLC DBA Color Health
Classification: Likely benign for Hereditary cancer-predisposing syndrome. Last evaluated: 2019-07-19. Review status: criteria provided, single submitter. Criteria: ACMG Guidelines, 2015. Collection method: clinical testing. Allele origin: germline.

NM_004656.4(BAP1):c.963A>C (p.Ala321=)

Gene: BAP1 (BRCA1 associated deubiquitinase 1; minus strand). Cytogenetic location: 3p21.1.
Variant type: single nucleotide variant.
Coding change: c.963A>C on transcript NM_004656.4 (MANE Select); coding-DNA position 963, A replaced by C.
Protein change: p.Ala321=; no amino-acid change (alanine 321 retained).
Molecular consequence: synonymous variant.
Genome position (GRCh38, 1-based): chr3:52,405,263, T>G on the plus strand (A>C on the coding strand, the complement: BAP1 is on the minus strand). VCF-style: chr3-52405263-T-G. GRCh37 (hg19) VCF-style: chr3-52439279-T-G.
Identifiers: ClinVar variation 925362 (VCV000925362.4), dbSNP rs1705113385, ClinGen allele CA433775166.